The following is an entry in ClinVar:

NM_001378120.1(MBD5):c.370G>C (p.Val124Leu)

Gene: MBD5 (methyl-CpG binding domain protein 5; plus strand). Cytogenetic location: 2q23.1.
Variant type: single nucleotide variant.
Coding change: c.370G>C on transcript NM_001378120.1 (MANE Select); coding-DNA position 370, G replaced by C.
Protein change: p.Val124Leu; replaces valine 124 with leucine.
Molecular consequence: missense variant.
Genome position (GRCh38, 1-based): chr2:148,463,892, G>C. VCF-style: chr2-148463892-G-C. GRCh37 (hg19) VCF-style: chr2-149221461-G-C.
Other names: c.370G>C, p.Val124Leu (NM_018328.5); short protein forms V124L.
Identifiers: ClinVar variation 1009459 (VCV001009459.9), dbSNP rs751595371, ClinGen allele CA1899860.

ClinVar aggregate classification (germline): Uncertain significance (1 of 4 stars; one submission).

Conditions:
Intellectual developmental disorder, autosomal dominant 1. Also called: Intellectual disability, autosomal dominant 1; MBD5 Haploinsufficiency. Identifiers: Orphanet 228402, MedGen C1969562, MONDO:0007974, OMIM 156200.

Allele frequency attached by ClinVar (database versions not stated): ExAC 0.00001; gnomAD 0.00005; TOPMed 0.00005; gnomAD exomes below 0.00001.
gnomAD v4.1: 11 of 1,613,478 alleles (0.00068%); highest among the groups gnomAD compares: African/African-American, 0.013%; no homozygotes.

Submission:

Labcorp Genetics (formerly Invitae), Labcorp
Classification: Uncertain significance for Intellectual developmental disorder, autosomal dominant 1. Last evaluated: 2024-10-15. Review status: criteria provided, single submitter. Criteria: Invitae Variant Classification Sherloc (09022015). Collection method: clinical testing. Allele origin: germline.
Comment: This sequence change replaces valine, which is neutral and non-polar, with leucine, which is neutral and non-polar, at codon 124 of the MBD5 protein (p.Val124Leu). This variant is present in population databases (rs751595371, gnomAD 0.008%). This variant has not been reported in the literature in individuals affected with MBD5-related conditions. ClinVar contains an entry for this variant (Variation ID: 1009459). Invitae Evidence Modeling of protein sequence and biophysical properties (such as structural, functional, and spatial information, amino acid conservation, physicochemical variation, residue mobility, and thermodynamic stability) indicates that this missense variant is not expected to disrupt MBD5 protein function with a negative predictive value of 80%. In summary, the available evidence is currently insufficient to determine the role of this variant in disease. Therefore, it has been classified as a Variant of Uncertain Significance.